The following is an entry in ClinVar:

ClinVar aggregate classification (germline): Uncertain significance (1 of 4 stars; one submission).

Submission:

GeneDx
Classification: Uncertain significance. Last evaluated: 2019-10-23. Review status: criteria provided, single submitter. Criteria: GeneDx Variant Classification Process June 2021. Collection method: clinical testing. Allele origin: germline. Affected: yes.
Comment: Has not been previously published as pathogenic or benign to our knowledge; Not observed in large population cohorts (Lek et al., 2016); Frameshift variant predicted to result in protein truncation or nonsense mediated decay in a gene for which loss-of-function is not a known mechanism of disease

NM_001105206.3(LAMA4):c.3126_3140delinsT (p.Thr1043fs)

Gene: LAMA4 (laminin subunit alpha 4; minus strand). Cytogenetic location: 6q21.
Variant type: Indel.
Coding change: c.3126_3140delinsT on transcript NM_001105206.3 (MANE Select); coding-DNA positions 3126 to 3140, CACTCAGAGTCGGGC replaced by T.
Protein change: p.Thr1043fs; shifts the reading frame from threonine 1043.
Molecular consequence: frameshift variant.
Genome position (GRCh38, 1-based): chr6:112,139,262-112,139,276, GCCCGACTCTGAGTG replaced by A on the plus strand (CACTCAGAGTCGGGC replaced by T on the coding strand, the reverse complement: LAMA4 is on the minus strand). VCF-style: chr6-112139262-GCCCGACTCTGAGTG-A. GRCh37 (hg19) VCF-style: chr6-112460464-GCCCGACTCTGAGTG-A.
Other names: c.3105_3119delinsT, p.Thr1036fs (NM_001105207.3, NM_002290.5); short protein forms T1036fs, T1043fs.
Identifiers: ClinVar variation 1309787 (VCV001309787.2), dbSNP rs2114691399, ClinGen allele CA2573052565.